The following is an entry in ClinVar:

NM_000156.6(GAMT):c.404A>C (p.Asp135Ala)

Gene: GAMT (guanidinoacetate N-methyltransferase; minus strand). Cytogenetic location: 19p13.3.
Variant type: single nucleotide variant.
Coding change: c.404A>C on transcript NM_000156.6 (MANE Select); coding-DNA position 404, A replaced by C.
Protein change: p.Asp135Ala; replaces aspartic acid 135 with alanine.
Molecular consequence: missense variant.
Genome position (GRCh38, 1-based): chr19:1,399,183, T>G on the plus strand (A>C on the coding strand, the complement: GAMT is on the minus strand). VCF-style: chr19-1399183-T-G. GRCh37 (hg19) VCF-style: chr19-1399182-T-G.
Other names: c.404A>C, p.Asp135Ala (NM_138924.3); short protein forms D135A.
Identifiers: ClinVar variation 4802517 (VCV004802517.1).

ClinVar aggregate classification (germline): Likely pathogenic (1 of 4 stars; one submission).

Conditions:
Cerebral creatine deficiency syndrome. Also called: Creatine deficiency syndromes. Identifiers: Orphanet 79172, MedGen C5244016, MONDO:0000456.

Submission:

Labcorp Genetics (formerly Invitae), Labcorp
Classification: Likely pathogenic for Cerebral creatine deficiency syndrome. Last evaluated: 2025-02-12. Review status: criteria provided, single submitter. Criteria: Invitae Variant Classification Sherloc (09022015). Collection method: clinical testing. Allele origin: germline.
Comment: This sequence change replaces aspartic acid, which is acidic and polar, with alanine, which is neutral and non-polar, at codon 135 of the GAMT protein (p.Asp135Ala). This variant is not present in population databases (gnomAD no frequency). This variant has not been reported in the literature in individuals affected with GAMT-related conditions. Invitae Evidence Modeling of protein sequence and biophysical properties (such as structural, functional, and spatial information, amino acid conservation, physicochemical variation, residue mobility, and thermodynamic stability) indicates that this missense variant is expected to disrupt GAMT protein function with a positive predictive value of 95%. This variant disrupts the p.Asp135 amino acid residue in GAMT. Other variant(s) that disrupt this residue have been determined to be pathogenic (PMID: 19388150, 24071436, 24415674, 35588794). This suggests that this residue is clinically significant, and that variants that disrupt this residue are likely to be disease-causing. In summary, the currently available evidence indicates that the variant is pathogenic, but additional data are needed to prove that conclusively. Therefore, this variant has been classified as Likely Pathogenic.

Literature cited by the submitters: PubMed 19388150; PubMed 24071436; PubMed 24415674; PubMed 35588794.